The following is an entry in ClinVar:

ClinVar aggregate classification (germline): Uncertain significance (1 of 4 stars; one submission).

Conditions:
Hypercholesterolemia, familial, 1. Also called: LDL RECEPTOR DISORDER; Hyperlipoproteinemia Type IIa; HYPER-LOW-DENSITY-LIPOPROTEINEMIA; HYPERCHOLESTEROLEMIC XANTHOMATOSIS, FAMILIAL; Fredrickson type IIa hyperlipoproteinemia; Hyperlipoproteinemia type 2. Identifiers: Orphanet 391665, MedGen C0745103, MONDO:0007750, OMIM 143890.

Submission:

Iberoamerican FH Network
Classification: Uncertain significance for Familial hypercholesterolemia. Last evaluated: 2016-03-01. Review status: criteria provided, single submitter. Criteria: ACMG Guidelines, 2015. Collection method: research. Allele origin: germline.
Comment: Variant present in the database from Chile

NM_000384.3(APOB):c.6979G>A (p.Asp2327Asn)

Gene: APOB (apolipoprotein B; minus strand). Cytogenetic location: 2p24.1.
Variant type: single nucleotide variant.
Coding change: c.6979G>A on transcript NM_000384.3 (MANE Select); coding-DNA position 6979, G replaced by A.
Protein change: p.Asp2327Asn; replaces aspartic acid 2327 with asparagine.
Molecular consequence: missense variant.
Genome position (GRCh38, 1-based): chr2:21,009,889, C>T on the plus strand (G>A on the coding strand, the complement: APOB is on the minus strand). VCF-style: chr2-21009889-C-T. GRCh37 (hg19) VCF-style: chr2-21232761-C-T.
Other names: short protein forms D2327N.
Identifiers: ClinVar variation 523728 (VCV000523728.1), dbSNP rs1553383590, ClinGen allele CA346000018.